The following is an entry in ClinVar:

NM_170606.3(KMT2C):c.10299G>A (p.Gln3433=)

Gene: KMT2C (lysine methyltransferase 2C; minus strand). Cytogenetic location: 7q36.1.
Variant type: single nucleotide variant.
Coding change: c.10299G>A on transcript NM_170606.3 (MANE Select); coding-DNA position 10299, G replaced by A.
Protein change: p.Gln3433=; no amino-acid change (glutamine 3433 retained).
Molecular consequence: synonymous variant.
Genome position (GRCh38, 1-based): chr7:152,163,278, C>T on the plus strand (G>A on the coding strand, the complement: KMT2C is on the minus strand). VCF-style: chr7-152163278-C-T. GRCh37 (hg19) VCF-style: chr7-151860363-C-T.
Other names: c.10299G>A (NM_170606.2).
Identifiers: ClinVar variation 1630730 (VCV001630730.34), dbSNP rs139153777, ClinGen allele CA4579320.
Genomic context (GRCh38, chr7:152,163,278, plus strand): 5'-GAAGGGAATCTGGGACACAGATGTCCTACTACTACTTATCTCAGAGCCCACCATACCATG[C>T]TGCTCCATTTCCATCCTCTGCTGCAAAGCTCTTTGTCTATCTACCTCCTGCATGAGTTGG-3'
Protein context (NP_733751.2, residues 3423-3443): RALQQRMEME[Gln3433=]HGMVGSEISS

ClinVar aggregate classification (germline): Benign/Likely benign. Review status: criteria provided, multiple submitters, no conflicts (2 of 4 stars). 4 submissions from 4 submitters: Benign (1); Likely benign (3). Last evaluated 2025-11-13.

Conditions:
KMT2C-related disorder. Also called: KMT2C-related condition; KMT2C-related disorders.

Allele frequency attached by ClinVar (database versions not stated): ExAC 0.00019; gnomAD exomes 0.00019; TOPMed 0.00054; gnomAD 0.00055 and 0.00056; 1000 Genomes Project 30x 0.00062; ESP Exome Variant Server 0.00069; 1000 Genomes Project 0.00080.
gnomAD v4.1: 226 of 1,614,202 alleles (0.014%); highest among the groups gnomAD compares: African/African-American, 0.13%; 1 homozygote.

Submissions (4):

PreventionGenetics, part of Exact Sciences
Classification: Likely benign for KMT2C-related condition. Last evaluated: 2025-11-13. Review status: criteria provided, single submitter. Criteria: ACMG Guidelines, 2015. Collection method: clinical testing. Allele origin: germline.
Comment: This variant is classified as likely benign based on ACMG/AMP sequence variant interpretation guidelines (Richards et al. 2015 PMID: 25741868, with internal and published modifications).

Labcorp Genetics (formerly Invitae), Labcorp
Classification: Benign. Last evaluated: 2025-08-29. Review status: criteria provided, single submitter. Criteria: Invitae Variant Classification Sherloc (09022015). Collection method: clinical testing. Allele origin: germline.

Blueprint Genetics
Classification: Likely benign. Last evaluated: 2024-11-21. Review status: criteria provided, single submitter. Criteria: ACMG Guidelines, 2015. Collection method: clinical testing. Allele origin: germline.

CeGaT Center for Human Genetics Tuebingen
Classification: Likely benign. Last evaluated: 2024-02-01. Review status: criteria provided, single submitter. Criteria: CeGaT Center For Human Genetics Tuebingen Variant Classification Criteria Version 2. Collection method: clinical testing. Allele origin: germline. Affected: yes. Observed: 3 variant alleles.
Comment: KMT2C: BP4, BP7, BS1